The following is an entry in ClinVar:

ClinVar aggregate classification (germline): Uncertain significance (1 of 4 stars; one submission).

Conditions:
Congenital myasthenic syndrome 8. Also called: Myasthenic syndrome, congenital, 8, with pre- and postsynaptic defects; MYASTHENIC SYNDROME, CONGENITAL, DUE TO AGRIN DEFICIENCY. Identifiers: Orphanet 590, MedGen C3808739, MONDO:0014052, OMIM 615120.

gnomAD v4.1: 4 of 1,606,018 alleles (0.00025%); highest among the groups gnomAD compares: Non-Finnish European, 0.00034%; no homozygotes.

Submission:

Labcorp Genetics (formerly Invitae), Labcorp
Classification: Uncertain significance for Congenital myasthenic syndrome 8. Last evaluated: 2025-12-10. Review status: criteria provided, single submitter. Criteria: Invitae Variant Classification Sherloc (09022015). Collection method: clinical testing. Allele origin: germline.
Comment: This sequence change replaces arginine, which is basic and polar, with histidine, which is basic and polar, at codon 434 of the AGRN protein (p.Arg434His). This variant is present in population databases (no rsID available, gnomAD 0.007%). This variant has not been reported in the literature in individuals affected with AGRN-related conditions. ClinVar contains an entry for this variant (Variation ID: 2053208). An algorithm developed to predict the effect of missense changes on protein structure and function outputs the following: PolyPhen-2: "Possibly Damaging". The histidine amino acid residue is found in multiple mammalian species, which suggests that this missense change does not adversely affect protein function. In summary, the available evidence is currently insufficient to determine the role of this variant in disease. Therefore, it has been classified as a Variant of Uncertain Significance.

NM_198576.4(AGRN):c.1301G>A (p.Arg434His)

Gene: AGRN (agrin; plus strand). Cytogenetic location: 1p36.33.
Variant type: single nucleotide variant.
Coding change: c.1301G>A on transcript NM_198576.4 (MANE Select); coding-DNA position 1301, G replaced by A.
Protein change: p.Arg434His; replaces arginine 434 with histidine.
Molecular consequence: missense variant.
Genome position (GRCh38, 1-based): chr1:1,042,079, G>A. VCF-style: chr1-1042079-G-A. GRCh37 (hg19) VCF-style: chr1-977459-G-A.
Other names: c.1301G>A, p.Arg434His (NM_001305275.2); c.986G>A, p.Arg329His (NM_001364727.2); short protein forms R434H, R329H.
Identifiers: ClinVar variation 2053208 (VCV002053208.4), dbSNP rs758854920, ClinGen allele CA337828128.